The following is an entry in ClinVar:

ClinVar aggregate classification (germline): Pathogenic. Review status: criteria provided, multiple submitters, no conflicts (2 of 4 stars). 3 submissions from 3 submitters: Pathogenic (3). Last evaluated 2025-03-23.

Conditions:
Hereditary cancer-predisposing syndrome. Also called: Tumor predisposition; Neoplastic Syndromes, Hereditary; Hereditary Cancer Syndrome; Hereditary neoplastic syndrome. Identifiers: Orphanet 140162, MedGen C0027672, MeSH D009386, MONDO:0015356.
Fanconi anemia complementation group J. Also called: BRIP1-Related Fanconi Anemia. Identifiers: Orphanet 84, MedGen C1836860, MONDO:0012187, OMIM 609054.
Familial cancer of breast. Also called: BREAST CANCER, FAMILIAL; Hereditary breast cancer; hereditary breast carcinoma. Identifiers: Orphanet 227535, MedGen C0346153, MONDO:0016419, OMIM 114480. Disease mechanism: loss of function.

Submissions (3):

Ambry Genetics
Classification: Pathogenic for Hereditary cancer-predisposing syndrome. Last evaluated: 2025-03-23. Review status: criteria provided, single submitter. Criteria: Ambry Variant Classification Scheme 2023. Collection method: clinical testing. Allele origin: germline.
Comment: The c.2030delG pathogenic mutation, located in coding exon 13 of the BRIP1 gene, results from a deletion of one nucleotide at nucleotide position 2030, causing a translational frameshift with a predicted alternate stop codon (p.G677Efs*11). This alteration is expected to result in loss of function by premature protein truncation or nonsense-mediated mRNA decay. As such, this alteration is interpreted as a disease-causing mutation.

Myriad Genetics, Inc.
Classification: Pathogenic for Familial cancer of breast. Last evaluated: 2023-06-05. Review status: criteria provided, single submitter. Criteria: Myriad Autosomal Dominant, Autosomal Recessive and X-Linked Classification Criteria (2023). Collection method: clinical testing. Allele origin: unknown.
Comment: This variant is considered pathogenic. This variant creates a frameshift predicted to result in premature protein truncation.

Labcorp Genetics (formerly Invitae), Labcorp
Classification: Pathogenic for Familial cancer of breast; Fanconi anemia complementation group J. Last evaluated: 2021-12-24. Review status: criteria provided, single submitter. Criteria: Invitae Variant Classification Sherloc (09022015). Collection method: clinical testing. Allele origin: germline.
Comment: This variant has not been reported in the literature in individuals affected with BRIP1-related conditions. For these reasons, this variant has been classified as Pathogenic. This sequence change creates a premature translational stop signal (p.Gly677Glufs*11) in the BRIP1 gene. It is expected to result in an absent or disrupted protein product. Loss-of-function variants in BRIP1 are known to be pathogenic (PMID: 16116423, 17033622, 21964575). This variant is not present in population databases (gnomAD no frequency). ClinVar contains an entry for this variant (Variation ID: 479413).

Literature cited by the submitters: PubMed 16116423 (cited by Labcorp Genetics (formerly Invitae), Labcorp); PubMed 17033622 (cited by Labcorp Genetics (formerly Invitae), Labcorp); PubMed 21964575 (cited by Labcorp Genetics (formerly Invitae), Labcorp).

NM_032043.3(BRIP1):c.2030del (p.Gly677fs)

Gene: BRIP1 (BRCA1 interacting DNA helicase 1; minus strand). Cytogenetic location: 17q23.2.
Variant type: Deletion.
Coding change: c.2030del on transcript NM_032043.3 (MANE Select); coding-DNA position 2030, one base deleted (G; older notation c.2030delG).
Protein change: p.Gly677fs; shifts the reading frame from glycine 677.
Molecular consequence: frameshift variant.
Genome position (GRCh38, 1-based): chr17:61,776,468, C deleted on the plus strand (G on the coding strand, the reverse complement: BRIP1 is on the minus strand); the first of 3 consecutive C bases (chr17:61,776,468-61,776,470); deleting any one gives the same sequence. VCF-style (leftmost placement, unchanged base first): chr17-61776467-TC-T. GRCh37 (hg19) VCF-style: chr17-59853828-TC-T.
Other names: c.2030delG (NM_032043.2); short protein forms G677fs.
Identifiers: ClinVar variation 479413 (VCV000479413.14), dbSNP rs1555601064, ClinGen allele CA658658666.